The following is an entry in ClinVar:

ClinVar aggregate classification (germline): Uncertain significance (1 of 4 stars; one submission).

Submission:

Labcorp Genetics (formerly Invitae), Labcorp
Classification: Uncertain significance. Last evaluated: 2022-11-01. Review status: criteria provided, single submitter. Criteria: Invitae Variant Classification Sherloc (09022015). Collection method: clinical testing. Allele origin: germline.
Comment: This sequence change replaces aspartic acid, which is acidic and polar, with glycine, which is neutral and non-polar, at codon 187 of the SNAP29 protein (p.Asp187Gly). This variant is not present in population databases (gnomAD no frequency). This variant has not been reported in the literature in individuals affected with SNAP29-related conditions. Advanced modeling of protein sequence and biophysical properties (such as structural, functional, and spatial information, amino acid conservation, physicochemical variation, residue mobility, and thermodynamic stability) performed at Invitae indicates that this missense variant is not expected to disrupt SNAP29 protein function. In summary, the available evidence is currently insufficient to determine the role of this variant in disease. Therefore, it has been classified as a Variant of Uncertain Significance.

NM_004782.4(SNAP29):c.560A>G (p.Asp187Gly)

Gene: SNAP29 (synaptosome associated protein 29; plus strand). Cytogenetic location: 22q11.21.
Variant type: single nucleotide variant.
Coding change: c.560A>G on transcript NM_004782.4 (MANE Select); coding-DNA position 560, A replaced by G.
Protein change: p.Asp187Gly; replaces aspartic acid 187 with glycine.
Molecular consequence: missense variant.
Genome position (GRCh38, 1-based): chr22:20,883,510, A>G. VCF-style: chr22-20883510-A-G. GRCh37 (hg19) VCF-style: chr22-21237798-A-G.
Other names: short protein forms D187G.
Identifiers: ClinVar variation 2106032 (VCV002106032.1), dbSNP rs2518519422, ClinGen allele CA410759414.